The following is an entry in ClinVar:

ClinVar aggregate classification (germline): Uncertain significance. Review status: criteria provided, multiple submitters, no conflicts (2 of 4 stars). 2 submissions from 2 submitters: Uncertain significance (2). Last evaluated 2016-11-08.

Conditions:
Cardiovascular phenotype. Identifiers: MedGen CN230736.

Allele frequency attached by ClinVar (database versions not stated): TOPMed 0.00001.

Submissions (2):

Ambry Genetics
Classification: Uncertain significance for Cardiovascular phenotype. Last evaluated: 2016-11-08. Review status: criteria provided, single submitter. Criteria: Ambry Variant Classification Scheme 2023. Collection method: clinical testing. Allele origin: germline.
Comment: The p.A8629P variant (also known as c.25885G>C), located in coding exon 104 of the TTN gene, results from a G to C substitution at nucleotide position 25885. The alanine at codon 8629 is replaced by proline, an amino acid with highly similar properties, and is located in the A-band region of the N2-B isoform of the titin protein. This variant was previously reported in the SNPDatabase as rs727503611. This variant was not reported in population based cohorts in the following databases: NHLBI Exome Sequencing Project (ESP), and 1000 Genomes Project. In the ESP, this variant was not observed in 5971 samples (11942 alleles) with coverage at this position. This amino acid position is highly conserved in available vertebrate species. In addition, this alteration is predicted to be probably damaging and unknown by PolyPhen and SIFT in silico analyses, respectively. Since supporting evidence is limited at this time, the clinical significance of this alteration remains unclear.

Laboratory for Molecular Medicine, Mass General Brigham Personalized Medicine
Classification: Uncertain significance. Last evaluated: 2014-09-10. Review status: criteria provided, single submitter. Criteria: LMM Criteria. Collection method: clinical testing. Allele origin: germline. Observed: 1 variant allele.
Comment: The Ala15126Pro variant in TTN has not been previously reported in individuals w ith cardiomyopathy or in large population studies. Computational prediction tool s and conservation analysis do not provide strong support for or against an impa ct to the protein. In summary, the clinical significance of the Ala15126Pro vari ant is uncertain.

NM_001267550.2(TTN):c.53080G>C (p.Ala17694Pro)

Genes: TTN (titin; minus strand), TTN-AS1 (TTN antisense RNA 1; plus strand), LOC126806425 (BRD4-independent group 4 enhancer GRCh37_chr2:179471933-179473132; plus strand). Cytogenetic location: 2q31.2.
Variant type: single nucleotide variant.
Coding change: c.53080G>C on transcript NM_001267550.2 (MANE Select); coding-DNA position 53080, G replaced by C.
Protein change: p.Ala17694Pro; replaces alanine 17694 with proline.
Molecular consequence: missense variant.
Genome position (GRCh38, 1-based): chr2:178,607,608, C>G on the plus strand (G>C on the coding strand, the complement: TTN is on the minus strand). VCF-style: chr2-178607608-C-G. GRCh37 (hg19) VCF-style: chr2-179472335-C-G.
Other names: c.25885G>C, p.Ala8629Pro (NM_003319.4); c.45376G>C, p.Ala15126Pro (NM_133378.4); c.48157G>C, p.Ala16053Pro (NM_001256850.1); c.26260G>C, p.Ala8754Pro (NM_133432.3); c.26461G>C, p.Ala8821Pro (NM_133437.4); short protein forms A15126P, A17694P, A8629P, A16053P, A8754P, A8821P.
Identifiers: ClinVar variation 165990 (VCV000165990.9), dbSNP rs727503611, ClinGen allele CA178769.
Genomic context (GRCh38, chr2:178,607,608, plus strand): 5'-CCAGCTCCCCTTCTTCTTTGGTCCATACTTTTGTAGGTACAGGGCGACCAGTCACCACAG[C>G]TGGAATTCTAAGAGTCTTCCCAGCCATTATTTGTATTCCACCCTTGACAGAAACATCCAG-3'
Protein context (NP_001254479.2, residues 17684-17704): IMAGKTLRIP[Ala17694Pro]VVTGRPVPTK